The following is an entry in ClinVar:

NM_006767.4(LZTR1):c.2382C>A (p.His794Gln)

Gene: LZTR1 (leucine zipper like post translational regulator 1; plus strand). Cytogenetic location: 22q11.21.
Variant type: single nucleotide variant.
Coding change: c.2382C>A on transcript NM_006767.4 (MANE Select); coding-DNA position 2382, C replaced by A.
Protein change: p.His794Gln; replaces histidine 794 with glutamine.
Molecular consequence: missense variant.
Genome position (GRCh38, 1-based): chr22:20,996,942, C>A. VCF-style: chr22-20996942-C-A. GRCh37 (hg19) VCF-style: chr22-21351231-C-A.
Other names: short protein forms H794Q.
Identifiers: ClinVar variation 2496795 (VCV002496795.6), dbSNP rs1924878453, ClinGen allele CA410781144.
Genomic context (GRCh38, chr22:20,996,942, plus strand): 5'-GCAGATCCTGGAGGCAGCTGACAAAACGCAGGCACTGGACATGAAGCGGCACTGCCTGCA[C>A]ATCATTGTGCACCAGTTCACCAAGGTCAGGGCTCTGGCCTCCCCTTCAGGACTCGCTTCC-3'
Protein context (NP_006758.2, residues 784-804): QALDMKRHCL[His794Gln]IIVHQFTKVS

ClinVar aggregate classification (germline): Uncertain significance. Review status: criteria provided, multiple submitters, no conflicts (2 of 4 stars). 2 submissions from 2 submitters: Uncertain significance (2). Last evaluated 2025-08-04.

Conditions:
Hereditary cancer-predisposing syndrome. Also called: Neoplastic Syndromes, Hereditary; Hereditary neoplastic syndrome; Tumor predisposition; Hereditary Cancer Syndrome. Identifiers: Orphanet 140162, MedGen C0027672, MeSH D009386, MONDO:0015356.
Cardiovascular phenotype. Identifiers: MedGen CN230736.

gnomAD v4.1: 1 of 1,613,684 alleles (0.000062%); highest among the groups gnomAD compares: Non-Finnish European, 0.000085%; no homozygotes.

Submissions (2):

Ambry Genetics
Classification: Uncertain significance for Cardiovascular phenotype; Hereditary cancer-predisposing syndrome. Last evaluated: 2025-08-04. Review status: criteria provided, single submitter. Criteria: Ambry Variant Classification Scheme 2023. Collection method: clinical testing. Allele origin: germline.
Comment: The p.H794Q variant (also known as c.2382C>A), located in coding exon 20 of the LZTR1 gene, results from a C to A substitution at nucleotide position 2382. The histidine at codon 794 is replaced by glutamine, an amino acid with highly similar properties. This amino acid position is conserved. In addition, the in silico prediction for this alteration is inconclusive. Based on the available evidence, the clinical significance of this variant remains unclear.

Labcorp Genetics (formerly Invitae), Labcorp
Classification: Uncertain significance. Last evaluated: 2023-07-28. Review status: criteria provided, single submitter. Criteria: Invitae Variant Classification Sherloc (09022015). Collection method: clinical testing. Allele origin: germline.
Comment: In summary, the available evidence is currently insufficient to determine the role of this variant in disease. Therefore, it has been classified as a Variant of Uncertain Significance. Advanced modeling of protein sequence and biophysical properties (such as structural, functional, and spatial information, amino acid conservation, physicochemical variation, residue mobility, and thermodynamic stability) performed at Invitae indicates that this missense variant is not expected to disrupt LZTR1 protein function. ClinVar contains an entry for this variant (Variation ID: 2496795). This variant has not been reported in the literature in individuals affected with LZTR1-related conditions. This variant is not present in population databases (gnomAD no frequency). This sequence change replaces histidine, which is basic and polar, with glutamine, which is neutral and polar, at codon 794 of the LZTR1 protein (p.His794Gln).